The following is an entry in ClinVar:

ClinVar aggregate classification (germline): Uncertain significance (1 of 4 stars; one submission).

Submission:

GeneDx
Classification: Uncertain significance. Last evaluated: 2025-03-10. Review status: criteria provided, single submitter. Criteria: GeneDx Variant Classification Process June 2021. Collection method: clinical testing. Allele origin: germline. Affected: yes.
Comment: Not observed at significant frequency in large population cohorts (gnomAD); In silico analysis indicates that this missense variant does not alter protein structure/function; Has not been previously published as pathogenic or benign to our knowledge

NM_020822.3(KCNT1):c.1410G>C (p.Gln470His)

Gene: KCNT1 (potassium sodium-activated channel subfamily T member 1; plus strand). Cytogenetic location: 9q34.3.
Variant type: single nucleotide variant.
Coding change: c.1410G>C on transcript NM_020822.3 (MANE Select); coding-DNA position 1410, G replaced by C.
Protein change: p.Gln470His; replaces glutamine 470 with histidine.
Molecular consequence: missense variant.
Genome position (GRCh38, 1-based): chr9:135,768,837, G>C. VCF-style: chr9-135768837-G-C. GRCh37 (hg19) VCF-style: chr9-138660683-G-C.
Other names: c.1275G>C, p.Gln425His (NM_001272003.2); short protein forms Q425H, Q470H.
Identifiers: ClinVar variation 4083032 (VCV004083032.1).